The following is an entry in ClinVar:

NM_003331.5(TYK2):c.2558C>G (p.Pro853Arg)

Gene: TYK2 (tyrosine kinase 2; minus strand). Cytogenetic location: 19p13.2.
Variant type: single nucleotide variant.
Coding change: c.2558C>G on transcript NM_003331.5 (MANE Select); coding-DNA position 2558, C replaced by G.
Protein change: p.Pro853Arg; replaces proline 853 with arginine.
Molecular consequence: missense variant.
Genome position (GRCh38, 1-based): chr19:10,356,627, G>C on the plus strand (C>G on the coding strand, the complement: TYK2 is on the minus strand). VCF-style: chr19-10356627-G-C. GRCh37 (hg19) VCF-style: chr19-10467303-G-C.
Other names: short protein forms P853R.
Identifiers: ClinVar variation 891975 (VCV000891975.8), dbSNP rs551747806, ClinGen allele CA9193011.

ClinVar aggregate classification (germline): Uncertain significance. Review status: criteria provided, multiple submitters, no conflicts (2 of 4 stars). 2 submissions from 2 submitters: Uncertain significance (2). Last evaluated 2022-07-18.

Conditions:
Immunodeficiency 35 (IMD35). Also called: HIES WITH ATYPICAL MYCOBACTERIOSIS, AUTOSOMAL RECESSIVE; HYPER-IgE SYNDROME WITH ATYPICAL MYCOBACTERIOSIS, AUTOSOMAL RECESSIVE; TYK2 DEFICIENCY; Susceptibility to infection due to TYK2 deficiency. Identifiers: Orphanet 331226, MedGen C1969086, MONDO:0012682, OMIM 611521.

Allele frequency attached by ClinVar (database versions not stated): gnomAD below 0.00001 and 0.00007; TOPMed 0.00002; gnomAD exomes 0.00012 and 0.00020; ExAC 0.00026.
gnomAD v4.1: 186 of 1,613,746 alleles (0.012%); highest among the groups gnomAD compares: South Asian, 0.2%; 1 homozygote.

Submissions (2):

Labcorp Genetics (formerly Invitae), Labcorp
Classification: Uncertain significance for Immunodeficiency 35. Last evaluated: 2022-07-18. Review status: criteria provided, single submitter. Criteria: Invitae Variant Classification Sherloc (09022015). Collection method: clinical testing. Allele origin: germline.
Comment: This sequence change replaces proline, which is neutral and non-polar, with arginine, which is basic and polar, at codon 853 of the TYK2 protein (p.Pro853Arg). This variant is present in population databases (rs551747806, gnomAD 0.2%). This variant has not been reported in the literature in individuals affected with TYK2-related conditions. ClinVar contains an entry for this variant (Variation ID: 891975). Algorithms developed to predict the effect of missense changes on protein structure and function output the following: SIFT: "Not Available"; PolyPhen-2: "Benign"; Align-GVGD: "Not Available". The arginine amino acid residue is found in multiple mammalian species, which suggests that this missense change does not adversely affect protein function. In summary, the available evidence is currently insufficient to determine the role of this variant in disease. Therefore, it has been classified as a Variant of Uncertain Significance.

Illumina Laboratory Services, Illumina
Classification: Uncertain significance for Immunodeficiency 35. Last evaluated: 2018-03-30. Review status: criteria provided, single submitter. Criteria: ICSL Variant Classification Criteria 13 December 2019. Collection method: clinical testing. Allele origin: germline.